The following is an entry in ClinVar:

NM_007103.4(NDUFV1):c.449del (p.Gly150fs)

Gene: NDUFV1 (NADH:ubiquinone oxidoreductase core subunit V1; plus strand). Cytogenetic location: 11q13.2.
Variant type: Deletion.
Coding change: c.449del on transcript NM_007103.4 (MANE Select); coding-DNA position 449, one base deleted (G; older notation c.449delG).
Protein change: p.Gly150fs; shifts the reading frame from glycine 150.
Molecular consequence: frameshift variant.
Genome position (GRCh38, 1-based): chr11:67,609,574, G deleted; the last of 3 consecutive G bases (chr11:67,609,572-67,609,574); deleting any one gives the same sequence. VCF-style (leftmost placement, unchanged base first): chr11-67609571-TG-T. GRCh37 (hg19) VCF-style: chr11-67377042-TG-T.
Other names: c.422del, p.Gly141fs (NM_001166102.2); short protein forms G150fs, G141fs.
Identifiers: ClinVar variation 2841726 (VCV002841726.3), dbSNP rs2495718428, ClinGen allele CA2739270642.

ClinVar aggregate classification (germline): Pathogenic (1 of 4 stars; one submission).

Submission:

Labcorp Genetics (formerly Invitae), Labcorp
Classification: Pathogenic. Last evaluated: 2023-03-01. Review status: criteria provided, single submitter. Criteria: Invitae Variant Classification Sherloc (09022015). Collection method: clinical testing. Allele origin: germline.
Comment: This sequence change creates a premature translational stop signal (p.Gly150Alafs*32) in the NDUFV1 gene. It is expected to result in an absent or disrupted protein product. Loss-of-function variants in NDUFV1 are known to be pathogenic (PMID: 10080174, 11349233). For these reasons, this variant has been classified as Pathogenic. This variant has not been reported in the literature in individuals affected with NDUFV1-related conditions. This variant is not present in population databases (gnomAD no frequency).

Literature cited by the submitters: PubMed 10080174; PubMed 11349233.